The following is an entry in ClinVar:

NM_005228.5(EGFR):c.425-12A>G

Gene: EGFR (epidermal growth factor receptor; plus strand). Cytogenetic location: 7p11.2.
Variant type: single nucleotide variant.
Coding change: c.425-12A>G on transcript NM_005228.5 (MANE Select); 12 bases into the intron before coding-DNA position 425, A replaced by G.
Molecular consequence: intron variant.
Genome position (GRCh38, 1-based): chr7:55,146,594, A>G. VCF-style: chr7-55146594-A-G. GRCh37 (hg19) VCF-style: chr7-55214287-A-G.
Other names: c.424+3106A>G (NM_001346899.2, NM_001346897.2); c.89-9236A>G (NM_001346941.2); c.425-12A>G (NM_001346898.2, NM_201284.2, NM_201282.2 and 1 more transcripts); c.266-12A>G (NM_001346900.2).
Identifiers: ClinVar variation 1644995 (VCV001644995.9), dbSNP rs753993081, ClinGen allele CA4265214.
Genomic context (GRCh38, chr7:55,146,594, plus strand): 5'-GAGCACATGCATCCTTCATGGGAATTTAAAGGAGCTGGAAAGAGTGCTCACCGCAGTTCC[A>G]TTCTCCCGCAGAAATCCTGCATGGCGCCGTGCGGTTCAGCAACAACCCTGCCCTGTGCAA-3'

ClinVar aggregate classification (germline): Conflicting classifications of pathogenicity. Review status: criteria provided, conflicting classifications (1 of 4 stars). 2 submissions from 2 submitters: Uncertain significance (1); Likely benign (1). Last evaluated 2025-04-08.

Conditions:
Hereditary cancer-predisposing syndrome. Also called: Tumor predisposition; Neoplastic Syndromes, Hereditary; Hereditary Cancer Syndrome; Hereditary neoplastic syndrome. Identifiers: Orphanet 140162, MedGen C0027672, MeSH D009386, MONDO:0015356.
EGFR-related lung cancer (EGFR). Identifiers: MedGen CN130014.

Allele frequency attached by ClinVar (database versions not stated): gnomAD exomes below 0.00001 and 0.00001; TOPMed below 0.00001; ExAC 0.00002.
gnomAD v4.1: 5 of 1,613,938 alleles (0.00031%); highest among the groups gnomAD compares: Non-Finnish European, 0.00017%; no homozygotes.

Submissions (2):

Labcorp Genetics (formerly Invitae), Labcorp
Classification: Likely benign for EGFR-related lung cancer. Last evaluated: 2025-04-08. Review status: criteria provided, single submitter. Criteria: Invitae Variant Classification Sherloc (09022015). Collection method: clinical testing. Allele origin: germline.

Sema4
Classification: Uncertain significance for Hereditary cancer-predisposing syndrome. Last evaluated: 2021-06-14. Review status: criteria provided, single submitter. Criteria: Sema4 Curation Guidelines. Collection method: curation. Allele origin: germline.
Comment: The EGFR c.425-12A>G variant has not been reported in the literature to our knowledge. It was observed in 2/113714 chromosomes of the Non-Finnish European subpopulation in the large and broad cohorts of the Genome Aggregation Database. The variant has not been reported in ClinVar. In silico tools suggest that the variant does not impact splicing, though these predictions have not been confirmed by functional studies. The evidence is insufficient to meet ACMG/AMP criteria for classifying the variant as benign or pathogenic. Thus, the clinical significance of this variant is currently uncertain.